The following is an entry in ClinVar:

NM_001366722.1(GRIP1):c.1A>G (p.Met1Val)

Gene: GRIP1 (glutamate receptor interacting protein 1; minus strand). Cytogenetic location: 12q14.3.
Variant type: single nucleotide variant.
Coding change: c.1A>G on transcript NM_001366722.1 (MANE Select); coding-DNA position 1, A replaced by G.
Protein change: p.Met1Val; changes the start codon (methionine 1).
Molecular consequence: missense variant, initiator codon variant. On other transcripts: intron variant (7).
Genome position (GRCh38, 1-based): chr12:66,678,904, T>C on the plus strand (A>G on the coding strand, the complement: GRIP1 is on the minus strand). VCF-style: chr12-66678904-T-C. GRCh37 (hg19) VCF-style: chr12-67072684-T-C.
Other names: c.1A>G, p.Met1Val (NM_001178074.2, NM_001379346.1, NM_021150.4); c.59-81977A>G (NM_001379351.1, NM_001379349.1); c.134-81977A>G (NM_001379348.1, NM_001366723.1, NM_001379347.1 and 2 more transcripts); short protein forms M1V.
Identifiers: ClinVar variation 2429278 (VCV002429278.3), dbSNP rs2504100548, ClinGen allele CA385680547.

ClinVar aggregate classification (germline): Uncertain significance (1 of 4 stars; one submission).

Allele frequency attached by ClinVar (database versions not stated): gnomAD exomes below 0.00001.

Submission:

Women's Health and Genetics/Laboratory Corporation of America, LabCorp
Classification: Uncertain significance. Last evaluated: 2023-01-16. Review status: criteria provided, single submitter. Criteria: LabCorp Variant Classification Summary - May 2015. Collection method: clinical testing. Allele origin: germline.
Comment: Variant summary: GRIP1 c.1A>G (p.Met1Val) alters the initiation codon and is predicted to result either in absence of the protein or truncation of the encoded protein due to translation initiation at a downstream codon. Other transcripts for this gene have upstream and downstream alternative start codons, however it is unclear from expression data whether these other transcripts are functionally relevant (gnomad, GTEx Portal). There is a nearby potential upstream in-frame ATG start site which would extend the protein by 24 amino acids, but it is unknown if this start site would compensate for the start-loss, and if the extension would have a functional impact. The nearest in-frame ATG codon is located in exon 3 at codon 57. There are only 2 reported truncating variants between the start-lost and Met57, which have been classified as likely pathogenic (ClinVar). The variant was absent in 248692 control chromosomes. The available data on variant occurrences in the general population are insufficient to allow any conclusion about variant significance. To our knowledge, no occurrence of c.1A>G in individuals affected with Cryptophthalmos Syndrome and no experimental evidence demonstrating its impact on protein function have been reported. No clinical diagnostic laboratories have submitted clinical-significance assessments for this variant to ClinVar after 2014. Lastly, a machine learning-based model scoring the pathogenicity of start-lost variants (the PoStaL model) that was constructed by predicting possible translation initiation sites on transcripts by deep learning and training a random forest on known pathogenic and likely benign variants has scored this variant below the cutoff corresponding to 95% specificity in the test set (0.228 vs 0.4815), suggesting the variant is not damaging, according to the model (Takata_2021). Based on the evidence outlined above, the variant was classified as VUS - possible pathogenic.